The following is an entry in ClinVar:

ClinVar aggregate classification (germline): Uncertain significance. Review status: criteria provided, multiple submitters, no conflicts (2 of 4 stars). 2 submissions from 2 submitters: Uncertain significance (2). Last evaluated 2024-06-26.

Conditions:
Hereditary nonpolyposis colorectal neoplasms. Identifiers: MedGen C0009405, MeSH D003123.
Hereditary cancer-predisposing syndrome. Also called: Neoplastic Syndromes, Hereditary; Hereditary Cancer Syndrome; Hereditary neoplastic syndrome; Tumor predisposition. Identifiers: Orphanet 140162, MedGen C0027672, MeSH D009386, MONDO:0015356.

Submissions (2):

Ambry Genetics
Classification: Uncertain significance for Hereditary cancer-predisposing syndrome. Last evaluated: 2024-06-26. Review status: criteria provided, single submitter. Criteria: Ambry Variant Classification Scheme 2023. Collection method: clinical testing. Allele origin: germline.
Comment: The p.H164D variant (also known as c.490C>G), located in coding exon 3 of the MSH6 gene, results from a C to G substitution at nucleotide position 490. The histidine at codon 164 is replaced by aspartic acid, an amino acid with similar properties. This amino acid position is conserved. In addition, this alteration is predicted to be tolerated by in silico analysis. Based on the available evidence, the clinical significance of this variant remains unclear.

Labcorp Genetics (formerly Invitae), Labcorp
Classification: Uncertain significance for Hereditary nonpolyposis colorectal neoplasms. Last evaluated: 2021-05-04. Review status: criteria provided, single submitter. Criteria: Invitae Variant Classification Sherloc (09022015). Collection method: clinical testing. Allele origin: germline.
Comment: In summary, the available evidence is currently insufficient to determine the role of this variant in disease. Therefore, it has been classified as a Variant of Uncertain Significance. Advanced modeling of protein sequence and biophysical properties (such as structural, functional, and spatial information, amino acid conservation, physicochemical variation, residue mobility, and thermodynamic stability) performed at Invitae indicates that this missense variant is not expected to disrupt MSH6 protein function. This variant has not been reported in the literature in individuals with MSH6-related conditions. This variant is not present in population databases (ExAC no frequency). This sequence change replaces histidine with aspartic acid at codon 164 of the MSH6 protein (p.His164Asp). The histidine residue is weakly conserved and there is a moderate physicochemical difference between histidine and aspartic acid.

NM_000179.3(MSH6):c.490C>G (p.His164Asp)

Gene: MSH6 (mutS homolog 6; plus strand). Cytogenetic location: 2p16.3.
Variant type: single nucleotide variant.
Coding change: c.490C>G on transcript NM_000179.3 (MANE Select); coding-DNA position 490, C replaced by G.
Protein change: p.His164Asp; replaces histidine 164 with aspartic acid.
Molecular consequence: missense variant. On other transcripts: 5 prime UTR variant (1), intron variant (2).
Genome position (GRCh38, 1-based): chr2:47,795,926, C>G. VCF-style: chr2-47795926-C-G. GRCh37 (hg19) VCF-style: chr2-48023065-C-G.
Other names: c.490C>G (NM_000179.2); c.-413C>G (NM_001281494.2); c.-279-2685C>G (NM_001281493.2); c.238-2685C>G (NM_001281492.2); short protein forms H164D.
Identifiers: ClinVar variation 1435521 (VCV001435521.9), dbSNP rs568685193, ClinGen allele CA346738623.
Genomic context (GRCh38, chr2:47,795,926, plus strand): 5'-TATTGTTTATAAATACATTTCTTTCTAGGTTCAAAATCAAAGGAAGCCCAGAAGGGAGGT[C>G]ATTTTTACAGTGCAAAGCCTGAAATACTGAGAGCAATGCAACGTGCAGATGAAGCCTTAA-3'
Protein context (NP_000170.1, residues 154-174): SKSKEAQKGG[His164Asp]FYSAKPEILR